The following is an entry in ClinVar:

NM_001164508.2(NEB):c.5683A>C (p.Asn1895His)

Gene: NEB (nebulin; minus strand). Cytogenetic location: 2q23.3.
Variant type: single nucleotide variant.
Coding change: c.5683A>C on transcript NM_001164508.2 (MANE Select); coding-DNA position 5683, A replaced by C.
Protein change: p.Asn1895His; replaces asparagine 1895 with histidine.
Molecular consequence: missense variant.
Genome position (GRCh38, 1-based): chr2:151,663,628, T>G on the plus strand (A>C on the coding strand, the complement: NEB is on the minus strand). VCF-style: chr2-151663628-T-G. GRCh37 (hg19) VCF-style: chr2-152520142-T-G.
Other names: c.5683A>C, p.Asn1895His (NM_001164507.2, NM_001271208.2, NM_004543.5); short protein forms N1895H.
Identifiers: ClinVar variation 2904358 (VCV002904358.3), dbSNP rs2099170988, ClinGen allele CA348807782.

ClinVar aggregate classification (germline): Uncertain significance (1 of 4 stars; one submission).

Conditions:
Nemaline myopathy 2 (NEM2). Also called: Nemaline myopathy 2, autosomal recessive. Identifiers: MedGen C1850569, MONDO:0009725, OMIM 256030.

Allele frequency attached by ClinVar (database versions not stated): gnomAD exomes below 0.00001; TOPMed below 0.00001.
gnomAD v4.1: 1 of 1,613,814 alleles (0.000062%); highest among the groups gnomAD compares: Non-Finnish European, 0.000085%; no homozygotes.

Submission:

Labcorp Genetics (formerly Invitae), Labcorp
Classification: Uncertain significance for Nemaline myopathy 2. Last evaluated: 2023-07-18. Review status: criteria provided, single submitter. Criteria: Invitae Variant Classification Sherloc (09022015). Collection method: clinical testing. Allele origin: germline.
Comment: In summary, the available evidence is currently insufficient to determine the role of this variant in disease. Therefore, it has been classified as a Variant of Uncertain Significance. Algorithms developed to predict the effect of sequence changes on RNA splicing suggest that this variant may create or strengthen a splice site. Algorithms developed to predict the effect of missense changes on protein structure and function output the following: SIFT: "Not Available"; PolyPhen-2: "Not Available"; Align-GVGD: "Not Available". The histidine amino acid residue is found in multiple mammalian species, which suggests that this missense change does not adversely affect protein function. This variant has not been reported in the literature in individuals affected with NEB-related conditions. This variant is not present in population databases (gnomAD no frequency). This sequence change replaces asparagine, which is neutral and polar, with histidine, which is basic and polar, at codon 1895 of the NEB protein (p.Asn1895His).